The following is an entry in ClinVar:

ClinVar aggregate classification (germline): Uncertain significance (1 of 4 stars; one submission).

Conditions:
Cardiovascular phenotype. Identifiers: MedGen CN230736.

Submission:

Ambry Genetics
Classification: Uncertain significance for Cardiovascular phenotype. Last evaluated: 2026-08-16. Review status: criteria provided, single submitter. Criteria: Ambry Variant Classification Scheme 2023. Collection method: clinical testing. Allele origin: germline.
Comment: The p.A329V variant (also known as c.986C>T), located in coding exon 8 of the NEXN gene, results from a C to T substitution at nucleotide position 986. The alanine at codon 329 is replaced by valine, an amino acid with similar properties. This amino acid position is conserved. In addition, this alteration is predicted to be tolerated by in silico analysis. Based on the available evidence, the clinical significance of this variant remains unclear.

NM_144573.4(NEXN):c.986C>T (p.Ala329Val)

Gene: NEXN (nexilin F-actin binding protein; plus strand). Cytogenetic location: 1p31.1.
Variant type: single nucleotide variant.
Coding change: c.986C>T on transcript NM_144573.4 (MANE Select); coding-DNA position 986, C replaced by T.
Protein change: p.Ala329Val; replaces alanine 329 with valine.
Molecular consequence: missense variant.
Genome position (GRCh38, 1-based): chr1:77,929,437, C>T. VCF-style: chr1-77929437-C-T. GRCh37 (hg19) VCF-style: chr1-78395122-C-T.
Other names: c.794C>T, p.Ala265Val (NM_001172309.2); short protein forms A329V, A265V.
Identifiers: ClinVar variation 5025498 (VCV005025498.1).